The following is an entry in ClinVar:

ClinVar aggregate classification (germline): Uncertain significance (1 of 4 stars; one submission).

Conditions:
Developmental and epileptic encephalopathy 94 (DEE94). Also called: Epileptic encephalopathy, childhood-onset; CHD2-Related Neurodevelopmental Disorders. Identifiers: Orphanet 1942, Orphanet 2382, MedGen C3809278, MONDO:0014150, OMIM 615369.

gnomAD v4.1: 1 of 1,614,142 alleles (0.000062%); highest among the groups gnomAD compares: Non-Finnish European, 0.000085%; no homozygotes.

Submission:

Labcorp Genetics (formerly Invitae), Labcorp
Classification: Uncertain significance for Developmental and epileptic encephalopathy 94. Last evaluated: 2025-06-16. Review status: criteria provided, single submitter. Criteria: Invitae Variant Classification Sherloc (09022015). Collection method: clinical testing. Allele origin: germline.
Comment: This sequence change replaces aspartic acid, which is acidic and polar, with histidine, which is basic and polar, at codon 1672 of the CHD2 protein (p.Asp1672His). This variant is not present in population databases (gnomAD no frequency). This variant has not been reported in the literature in individuals affected with CHD2-related conditions. ClinVar contains an entry for this variant (Variation ID: 3636693). Invitae Evidence Modeling of protein sequence and biophysical properties (such as structural, functional, and spatial information, amino acid conservation, physicochemical variation, residue mobility, and thermodynamic stability) indicates that this missense variant is not expected to disrupt CHD2 protein function with a negative predictive value of 95%. In summary, the available evidence is currently insufficient to determine the role of this variant in disease. Therefore, it has been classified as a Variant of Uncertain Significance.

NM_001271.4(CHD2):c.5014G>C (p.Asp1672His)

Gene: CHD2 (chromodomain helicase DNA binding protein 2; plus strand). Cytogenetic location: 15q26.1.
Variant type: single nucleotide variant.
Coding change: c.5014G>C on transcript NM_001271.4 (MANE Select); coding-DNA position 5014, G replaced by C.
Protein change: p.Asp1672His; replaces aspartic acid 1672 with histidine.
Molecular consequence: missense variant.
Genome position (GRCh38, 1-based): chr15:93,020,119, G>C. VCF-style: chr15-93020119-G-C. GRCh37 (hg19) VCF-style: chr15-93563349-G-C.
Other names: short protein forms D1672H.
Identifiers: ClinVar variation 3636693 (VCV003636693.2).